The following is an entry in ClinVar:

ClinVar aggregate classification (germline): Uncertain significance (1 of 4 stars; one submission).

Allele frequency attached by ClinVar (database versions not stated): gnomAD 0.00001; gnomAD exomes 0.00001 and 0.00002; TOPMed 0.00001; ExAC 0.00002.
gnomAD v4.1: 17 of 1,613,924 alleles (0.0011%); highest among the groups gnomAD compares: Non-Finnish European, 0.0014%; no homozygotes.

Submission:

Centre for Mendelian Genomics, University Medical Centre Ljubljana
Classification: Uncertain significance. Last evaluated: 2016-01-01. Review status: criteria provided, single submitter. Criteria: ACMG Guidelines, 2015. Collection method: clinical testing. Allele origin: unknown. Affected: yes.
Comment: This variant was classified as: Uncertain significance. The following ACMG criteria were applied in classifying this variant: PM2,PP2,PP3.

NM_004562.3(PRKN):c.824G>A (p.Arg275Gln)

Gene: PRKN (parkin RBR E3 ubiquitin protein ligase; minus strand). Cytogenetic location: 6q26.
Variant type: single nucleotide variant.
Coding change: c.824G>A on transcript NM_004562.3 (MANE Select); coding-DNA position 824, G replaced by A.
Protein change: p.Arg275Gln; replaces arginine 275 with glutamine.
Molecular consequence: missense variant.
Genome position (GRCh38, 1-based): chr6:161,785,819, C>T on the plus strand (G>A on the coding strand, the complement: PRKN is on the minus strand). VCF-style: chr6-161785819-C-T. GRCh37 (hg19) VCF-style: chr6-162206851-C-T.
Other names: c.740G>A, p.Arg247Gln (NM_013987.3); c.377G>A, p.Arg126Gln (NM_013988.3); short protein forms R275Q, R126Q, R247Q.
Identifiers: ClinVar variation 931482 (VCV000931482.3), dbSNP rs769230602, ClinGen allele CA4090212.
Genomic context (GRCh38, chr6:161,785,819, plus strand): 5'-ATGCTAGACTTACCCACACAAGGCAGGGAGTAGCCAAGTTGAGGGTCGTGAACAAACTGC[C>T]GATCATTGAGTCTTGTCACACAGTATAAGTGGAAACAGTCTAAGCAAATCACGTGGCGGG-3'
Protein context (NP_004553.2, residues 265-285): HLYCVTRLND[Arg275Gln]QFVHDPQLGY